The following is an entry in ClinVar:

NM_030665.4(RAI1):c.2307G>A (p.Leu769=)

Gene: RAI1 (retinoic acid induced 1; plus strand). Cytogenetic location: 17p11.2.
Variant type: single nucleotide variant.
Coding change: c.2307G>A on transcript NM_030665.4 (MANE Select); coding-DNA position 2307, G replaced by A.
Protein change: p.Leu769=; no amino-acid change (leucine 769 retained).
Molecular consequence: synonymous variant.
Genome position (GRCh38, 1-based): chr17:17,795,255, G>A. VCF-style: chr17-17795255-G-A. GRCh37 (hg19) VCF-style: chr17-17698569-G-A.
Identifiers: ClinVar variation 589283 (VCV000589283.18), dbSNP rs376126729, ClinGen allele CA8418508.

ClinVar aggregate classification (germline): Likely benign. Review status: criteria provided, multiple submitters, no conflicts (2 of 4 stars). 5 submissions from 5 submitters: Likely benign (4). 1 of the submissions does not count toward it. Last evaluated 2025-07-02.

Conditions:
RAI1-related disorder. Also called: RAI1-related condition.
Inborn genetic diseases. Identifiers: MedGen C0950123, MeSH D030342.

Allele frequency attached by ClinVar (database versions not stated): TOPMed 0.00001; ExAC 0.00002; gnomAD exomes 0.00002 and 0.00005; gnomAD 0.00003 and 0.00004; ESP Exome Variant Server 0.00008.

Submissions (5):

Women's Health and Genetics/Laboratory Corporation of America, LabCorp
Classification: Likely benign. Last evaluated: 2025-07-02. Review status: criteria provided, single submitter. Criteria: LabCorp Variant Classification Summary - May 2015. Collection method: clinical testing. Allele origin: germline.

Labcorp Genetics (formerly Invitae), Labcorp
Classification: Likely benign. Last evaluated: 2025-06-17. Review status: criteria provided, single submitter. Criteria: Invitae Variant Classification Sherloc (09022015). Collection method: clinical testing. Allele origin: germline.

Blueprint Genetics
Classification: Likely benign. Last evaluated: 2020-06-04. Review status: criteria provided, single submitter. Criteria: ACMG Guidelines, 2015. Collection method: clinical testing. Allele origin: germline.

Ambry Genetics
Classification: Likely benign for Inborn genetic diseases. Last evaluated: 2016-05-12. Review status: criteria provided, single submitter. Criteria: Ambry Variant Classification Scheme 2023. Collection method: clinical testing. Allele origin: germline.

PreventionGenetics, part of Exact Sciences
Classification: Likely benign for RAI1-related condition. Last evaluated: 2021-10-26. Review status: no assertion criteria provided. Collection method: clinical testing. Allele origin: germline. Not counted in ClinVar's aggregate classification.
Comment: This variant is classified as likely benign based on ACMG/AMP sequence variant interpretation guidelines (Richards et al. 2015 PMID: 25741868, with internal and published modifications).